The following is an entry in ClinVar:

NM_000053.4(ATP7B):c.4021+3A>G

Gene: ATP7B (ATPase copper transporting beta; minus strand). Cytogenetic location: 13q14.3.
Variant type: single nucleotide variant.
Coding change: c.4021+3A>G on transcript NM_000053.4 (MANE Select); 3 bases into the intron after coding-DNA position 4021, A replaced by G.
Molecular consequence: intron variant.
Genome position (GRCh38, 1-based): chr13:51,937,273, T>C on the plus strand (A>G on the coding strand, the complement: ATP7B is on the minus strand). VCF-style: chr13-51937273-T-C. GRCh37 (hg19) VCF-style: chr13-52511409-T-C.
Other names: c.3688+3A>G (NM_001243182.2); c.3400+3A>G (NM_001005918.3); c.3769+3A>G (NM_001330579.2); c.3787+3A>G (NM_001330578.2).
Identifiers: ClinVar variation 526665 (VCV000526665.20), dbSNP rs565970531, ClinGen allele CA6988518.
Genomic context (GRCh38, chr13:51,937,273, plus strand): 5'-GGAACCTGGGAGACAGAAGCCTTTCTGGGCGCAGCTGGAGCACAGTGGGTAAGAGCTGCC[T>C]ACCTGCTGCAATGGGTATCCCAACCAGGTTATAAATCAGTGCCAGGACCAGGTTGATGCG-3'

ClinVar aggregate classification (germline): Conflicting classifications of pathogenicity. Review status: criteria provided, conflicting classifications (1 of 4 stars). 7 submissions from 7 submitters: Uncertain significance (6); Likely benign (1). Last evaluated 2026-08-07.

Conditions:
ATP7B-related disorder. Also called: ATP7B-related condition.
Wilson disease (WND). Also called: Wilson's disease. Identifiers: Orphanet 905, MedGen C0019202, MONDO:0010200, OMIM 277900. Disease mechanism: loss of function.

Allele frequency attached by ClinVar (database versions not stated): gnomAD 0.00001 and 0.00007; TOPMed 0.00002; gnomAD exomes 0.00015 and 0.00032; 1000 Genomes Project 30x 0.00031; ExAC 0.00039; 1000 Genomes Project 0.00040.
gnomAD v4.1: 231 of 1,613,108 alleles (0.014%); highest among the groups gnomAD compares: South Asian, 0.23%; 3 homozygotes.

Submissions (7):

PreventionGenetics, part of Exact Sciences
Classification: Uncertain significance for ATP7B-related condition. Last evaluated: 2026-08-07. Review status: criteria provided, single submitter. Criteria: ACMG Guidelines, 2015. Collection method: clinical testing. Allele origin: germline.
Comment: The ATP7B c.4021+3A>G variant is predicted to interfere with splicing. This variant has been reported in an individual with Wilson disease; however this individual had two additional variants in ATP7B, and the phase of these variants was not confirmed (Santhosh et al. 2006. PubMed ID: 17264425). This variant is not predicted to alter splicing based on available splicing prediction programs (SpliceAI, Jaganathan et al. 2019. PubMed ID: 30661751); however, the +3 position is part of the minimal donor splice region which is clinically relevant (Lord et al. 2019. PubMed ID: 30587507; Walker et al. 2023. PubMed ID: 37352859). This variant is reported in 0.26% of alleles in individuals of South Asian descent in gnomAD, including 1 homozygote, which may be too frequent to be a primary cause of disease. Although we suspect that this variant may be benign, at this time, the clinical significance of this variant is uncertain due to the absence of conclusive functional and genetic evidence.

Labcorp Genetics (formerly Invitae), Labcorp
Classification: Likely benign for Wilson disease. Last evaluated: 2026-01-27. Review status: criteria provided, single submitter. Criteria: Invitae Variant Classification Sherloc (09022015). Collection method: clinical testing. Allele origin: germline.

ARUP Laboratories, Molecular Genetics and Genomics, ARUP Laboratories
Classification: Uncertain significance for Wilson disease. Last evaluated: 2024-03-13. Review status: criteria provided, single submitter. Criteria: ARUP Molecular Germline Variant Investigation Process 2024. Collection method: clinical testing. Allele origin: germline.
Comment: The ATP7B c.4021+3A>G variant (rs565970531) is reported in the literature in one individual affected with Wilson disease who had two additional ATP7B variants; however, the phase of variants is unknown (Santhosh 2006). This variant is also reported in ClinVar (Variation ID: 526665). This variant is found in the South Asian population with an allele frequency of 0.26% (80/30600 alleles, including 1 homozygotes) in the Genome Aggregation Database (v2.1.1). This is an intronic variant in a weakly conserved nucleotide, but computational analyses (Alamut Visual Plus v.1.5.1) predict that this variant may impact splicing by weakening the nearby canonical donor splice site. Due to limited information, the clinical significance of this variant is uncertain at this time. References: Santhosh S et al. ATP7B mutations in families in a predominantly Southern Indian cohort of Wilson's disease patients. Indian J Gastroenterol. 2006 Nov-Dec;25(6):277-82. PMID: 17264425.

All of Us Research Program, National Institutes of Health
Classification: Uncertain significance for Wilson disease. Last evaluated: 2024-02-05. Review status: criteria provided, single submitter. Criteria: ACMG Guidelines, 2015. Collection method: clinical testing. Allele origin: germline. Inheritance: Autosomal recessive inheritance. Observed: 8 variant alleles, 8 heterozygotes.
Comment: This variant causes an A to G nucleotide substitution at the +3 position of intron 19 of the ATP7B gene. Splice site prediction tools are inconclusive regarding the impact of this variant on RNA splicing. To our knowledge, functional studies have not been reported for this variant. This variant has been reported with two co-occurring variants in an individual affected with Wilson disease (PMID: 17264425). This variant has been identified in 81/249472 chromosomes in the general population by the Genome Aggregation Database (gnomAD). The available evidence is insufficient to determine the role of this variant in disease conclusively. Therefore, this variant is classified as a Variant of Uncertain Significance.

This study involves interpretation of variants in research participants for the purpose of population health screening. Participant phenotype was not available at the time of variant classification. Additional details can be found in publication PMID: 35346344, PMCID: PMC8962531

Fulgent Genetics
Classification: Uncertain significance for Wilson disease. Last evaluated: 2024-02-02. Review status: criteria provided, single submitter. Criteria: ACMG Guidelines, 2015. Collection method: clinical testing. Allele origin: germline.

Color Diagnostics, LLC DBA Color Health
Classification: Uncertain significance for Wilson disease. Last evaluated: 2022-12-15. Review status: criteria provided, single submitter. Criteria: ACMG Guidelines, 2015. Collection method: clinical testing. Allele origin: germline.
Comment: This variant causes an A to G nucleotide substitution at the +3 position of intron 19 of the ATP7B gene. Splice site prediction tools are inconclusive regarding the impact of this variant on RNA splicing. To our knowledge, functional studies have not been reported for this variant. This variant has been reported with two co-occurring variants in an individual affected with Wilson disease (PMID: 17264425). This variant has been identified in 81/249472 chromosomes in the general population by the Genome Aggregation Database (gnomAD). The available evidence is insufficient to determine the role of this variant in disease conclusively. Therefore, this variant is classified as a Variant of Uncertain Significance.

GeneDx
Classification: Uncertain significance. Last evaluated: 2020-06-05. Review status: criteria provided, single submitter. Criteria: GeneDx Variant Classification Process June 2021. Collection method: clinical testing. Allele origin: germline. Affected: yes.
Comment: Reported in a patient with Wilson disease who harbored a second ATP7B variant in published literature; however, segregation information was not provided (Santhosh et al., 2006); In silico analysis, which includes splice predictors and evolutionary conservation, suggests this variant may impact gene splicing. In the absence of RNA/functional studies, the actual effect of this sequence change is unknown.; This variant is associated with the following publications: (PMID: 32248359, 17264425, 30097039)

Literature cited by the submitters: PubMed 17264425 (cited by All of Us Research Program, National Institutes of Health and Color Diagnostics, LLC DBA Color Health).